The following is an entry in ClinVar:

NM_020779.4(WDR35):c.2800G>A (p.Asp934Asn)

Gene: WDR35 (WD repeat domain 35; minus strand). Cytogenetic location: 2p24.1.
Variant type: single nucleotide variant.
Coding change: c.2800G>A on transcript NM_020779.4 (MANE Select); coding-DNA position 2800, G replaced by A.
Protein change: p.Asp934Asn; replaces aspartic acid 934 with asparagine.
Molecular consequence: missense variant.
Genome position (GRCh38, 1-based): chr2:19,932,306, C>T on the plus strand (G>A on the coding strand, the complement: WDR35 is on the minus strand). VCF-style: chr2-19932306-C-T. GRCh37 (hg19) VCF-style: chr2-20132067-C-T.
Other names: c.2833G>A, p.Asp945Asn (NM_001006657.2); short protein forms D934N, D945N.
Identifiers: ClinVar variation 1015571 (VCV001015571.9), dbSNP rs376786810, ClinGen allele CA1542840.

ClinVar aggregate classification (germline): Uncertain significance (1 of 4 stars; one submission).

Conditions:
Short-rib thoracic dysplasia 7 with or without polydactyly (SRTD7). Also called: Short rib polydactyly syndrome 5; SHORT-RIB THORACIC DYSPLASIA 7 WITH POLYDACTYLY. Identifiers: Orphanet 498497, Orphanet 93271, MedGen C3279792, MONDO:0013569, OMIM 614091.
Cranioectodermal dysplasia 2 (CED2). Identifiers: Orphanet 1515, MedGen C3150874, MONDO:0013323, OMIM 613610.

Allele frequency attached by ClinVar (database versions not stated): ExAC 0.00001; ESP Exome Variant Server 0.00008.

Submission:

Labcorp Genetics (formerly Invitae), Labcorp
Classification: Uncertain significance for Cranioectodermal dysplasia 2; Short-rib thoracic dysplasia 7 with or without polydactyly. Last evaluated: 2024-02-17. Review status: criteria provided, single submitter. Criteria: Invitae Variant Classification Sherloc (09022015). Collection method: clinical testing. Allele origin: germline.
Comment: This sequence change replaces aspartic acid, which is acidic and polar, with asparagine, which is neutral and polar, at codon 945 of the WDR35 protein (p.Asp945Asn). This variant is present in population databases (rs376786810, gnomAD 0.0009%). This variant has not been reported in the literature in individuals affected with WDR35-related conditions. ClinVar contains an entry for this variant (Variation ID: 1015571). Advanced modeling of protein sequence and biophysical properties (such as structural, functional, and spatial information, amino acid conservation, physicochemical variation, residue mobility, and thermodynamic stability) performed at Invitae indicates that this missense variant is not expected to disrupt WDR35 protein function with a negative predictive value of 80%. In summary, the available evidence is currently insufficient to determine the role of this variant in disease. Therefore, it has been classified as a Variant of Uncertain Significance.